The following is an entry in ClinVar:

ClinVar aggregate classification (germline): Benign/Likely benign. Review status: criteria provided, multiple submitters, no conflicts (2 of 4 stars). 5 submissions from 5 submitters: Benign (3); Likely benign (2). Last evaluated 2025-11-06.

Allele frequency attached by ClinVar (database versions not stated): ESP Exome Variant Server 0.00009; gnomAD 0.00012 and 0.00013; gnomAD exomes 0.00015 and 0.00017; TOPMed 0.00016; ExAC 0.00017.
gnomAD v4.1: 194 of 1,199,218 alleles (0.016%); highest among the groups gnomAD compares: Middle Eastern, 0.023%; no homozygotes.

Submissions (5):

Labcorp Genetics (formerly Invitae), Labcorp
Classification: Benign. Last evaluated: 2025-11-06. Review status: criteria provided, single submitter. Criteria: Invitae Variant Classification Sherloc (09022015). Collection method: clinical testing. Allele origin: germline.

Blueprint Genetics
Classification: Likely benign. Last evaluated: 2024-07-24. Review status: criteria provided, single submitter. Criteria: ACMG Guidelines, 2015. Collection method: clinical testing. Allele origin: germline.

CeGaT Center for Human Genetics Tuebingen
Classification: Likely benign. Last evaluated: 2024-05-01. Review status: criteria provided, single submitter. Criteria: CeGaT Center For Human Genetics Tuebingen Variant Classification Criteria Version 2. Collection method: clinical testing. Allele origin: germline. Affected: yes. Observed: 3 variant alleles.
Comment: NEXMIF: BP4, BP7, BS2

GeneDx
Classification: Benign. Last evaluated: 2019-01-07. Review status: criteria provided, single submitter. Criteria: GeneDx Variant Classification Process June 2021. Collection method: clinical testing. Allele origin: germline. Affected: yes.

Ambry Genetics
Classification: Benign. Last evaluated: 2017-09-30. Review status: criteria provided, single submitter. Criteria: Ambry Variant Classification Scheme 2023. Collection method: clinical testing. Allele origin: germline.

NM_001008537.3(NEXMIF):c.42C>T (p.Asn14=)

Gene: NEXMIF (neurite extension and migration factor; minus strand). Cytogenetic location: Xq13.3.
Variant type: single nucleotide variant.
Coding change: c.42C>T on transcript NM_001008537.3 (MANE Select); coding-DNA position 42, C replaced by T.
Protein change: p.Asn14=; no amino-acid change (asparagine 14 retained).
Molecular consequence: synonymous variant.
Genome position (GRCh38, 1-based): chrX:74,745,609, G>A on the plus strand (C>T on the coding strand, the complement: NEXMIF is on the minus strand). VCF-style: chrX-74745609-G-A. GRCh37 (hg19) VCF-style: chrX-73965444-G-A.
Identifiers: ClinVar variation 1168043 (VCV001168043.47), dbSNP rs370708043, ClinGen allele CA10455281.